The following is an entry in ClinVar:

ClinVar aggregate classification (germline): Uncertain significance (1 of 4 stars; one submission).

Submission:

Labcorp Genetics (formerly Invitae), Labcorp
Classification: Uncertain significance. Last evaluated: 2025-07-27. Review status: criteria provided, single submitter. Criteria: Invitae Variant Classification Sherloc (09022015). Collection method: clinical testing. Allele origin: germline.
Comment: This sequence change replaces glutamic acid, which is acidic and polar, with lysine, which is basic and polar, at codon 177 of the CYP19A1 protein (p.Glu177Lys). This variant is not present in population databases (gnomAD no frequency). This variant has not been reported in the literature in individuals affected with CYP19A1-related conditions. Invitae Evidence Modeling of protein sequence and biophysical properties (such as structural, functional, and spatial information, amino acid conservation, physicochemical variation, residue mobility, and thermodynamic stability) indicates that this missense variant is not expected to disrupt CYP19A1 protein function with a negative predictive value of 80%. In summary, the available evidence is currently insufficient to determine the role of this variant in disease. Therefore, it has been classified as a Variant of Uncertain Significance.

NM_000103.4(CYP19A1):c.529G>A (p.Glu177Lys)

Genes: CYP19A1 (cytochrome P450 family 19 subfamily A member 1; minus strand), MIR4713HG (MIR4713 host gene; plus strand), PIRC66 (piwi-interacting RNA cluster 66; plus strand). Cytogenetic location: 15q21.2.
Variant type: single nucleotide variant.
Coding change: c.529G>A on transcript NM_000103.4 (MANE Select); coding-DNA position 529, G replaced by A.
Protein change: p.Glu177Lys; replaces glutamic acid 177 with lysine.
Molecular consequence: missense variant.
Genome position (GRCh38, 1-based): chr15:51,222,448, C>T on the plus strand (G>A on the coding strand, the complement: CYP19A1 is on the minus strand). VCF-style: chr15-51222448-C-T. GRCh37 (hg19) VCF-style: chr15-51514645-C-T.
Other names: c.529G>A, p.Glu177Lys (NM_001347248.1, NM_001347249.2, NM_001347250.2 and 7 more transcripts); short protein forms E177K.
Identifiers: ClinVar variation 4797197 (VCV004797197.1).